The following is an entry in ClinVar:

ClinVar aggregate classification (germline): Uncertain significance. Review status: criteria provided, multiple submitters, no conflicts (2 of 4 stars). 4 submissions from 4 submitters: Uncertain significance (3). 1 of the submissions does not count toward it. Last evaluated 2025-11-27.

Conditions:
Autosomal recessive limb-girdle muscular dystrophy type 2A (LGMDR1). Also called: Calpainopathy; Muscular dystrophy, limb-girdle, type 2A, Amish; LEYDEN-MOEBIUS MUSCULAR DYSTROPHY; MUSCULAR DYSTROPHY, PELVOFEMORAL; Limb-girdle muscular dystrophy, type 2A. Identifiers: Orphanet 267, MedGen C1869123, MONDO:0009675, OMIM 253600. Disease mechanism: loss of function.
CAPN3-related disorder. Also called: CAPN3-related condition; CAPN3-related disorders. Identifiers: MedGen CN239245.

Allele frequency attached by ClinVar (database versions not stated): TOPMed 0.00007.
gnomAD v4.1: 68 of 1,614,074 alleles (0.0042%); highest among the groups gnomAD compares: Non-Finnish European, 0.0058%; no homozygotes.

Submissions (4):

Labcorp Genetics (formerly Invitae), Labcorp
Classification: Uncertain significance for Autosomal recessive limb-girdle muscular dystrophy type 2A. Last evaluated: 2025-11-27. Review status: criteria provided, single submitter. Criteria: Invitae Variant Classification Sherloc (09022015). Collection method: clinical testing. Allele origin: germline.
Comment: This sequence change replaces asparagine, which is neutral and polar, with threonine, which is neutral and polar, at codon 195 of the CAPN3 protein (p.Asn195Thr). This variant is present in population databases (rs148855999, gnomAD 0.007%). This missense change has been observed in individual(s) with clinical features of CAPN3-related conditions (PMID: 30564623; internal data). In at least one individual the data is consistent with being in trans (on the opposite chromosome) from a pathogenic variant. ClinVar contains an entry for this variant (Variation ID: 285651). Invitae Evidence Modeling of protein sequence and biophysical properties (such as structural, functional, and spatial information, amino acid conservation, physicochemical variation, residue mobility, and thermodynamic stability) indicates that this missense variant is not expected to disrupt CAPN3 protein function with a negative predictive value of 80%. In summary, the available evidence is currently insufficient to determine the role of this variant in disease. Therefore, it has been classified as a Variant of Uncertain Significance.

GeneDx
Classification: Uncertain significance. Last evaluated: 2025-02-10. Review status: criteria provided, single submitter. Criteria: GeneDx Variant Classification Process June 2021. Collection method: clinical testing. Allele origin: germline. Affected: yes.
Comment: Reported as a variant of uncertain significance in an individual with LGMD2A (PMID: 30564623); In silico analysis indicates that this missense variant does not alter protein structure/function; This variant is associated with the following publications: (PMID: 30564623)

Eurofins Ntd Llc (ga)
Classification: Uncertain significance. Last evaluated: 2018-08-17. Review status: criteria provided, single submitter. Criteria: EGL ClinVar v180209 classification definitions. Collection method: clinical testing. Allele origin: germline. Observed: 3 variant alleles, 3 heterozygotes.

Natera, Inc.
Classification: Uncertain significance for Limb-girdle muscular dystrophy type 2A. Last evaluated: 2020-09-16. Review status: no assertion criteria provided. Collection method: clinical testing. Allele origin: germline. Not counted in ClinVar's aggregate classification.

Literature cited by the submitters: PubMed 30564623 (cited by Labcorp Genetics (formerly Invitae), Labcorp).

NM_000070.3(CAPN3):c.584A>C (p.Asn195Thr)

Gene: CAPN3 (calpain 3; plus strand). Cytogenetic location: 15q15.1.
Variant type: single nucleotide variant.
Coding change: c.584A>C on transcript NM_000070.3 (MANE Select); coding-DNA position 584, A replaced by C.
Protein change: p.Asn195Thr; replaces asparagine 195 with threonine.
Molecular consequence: missense variant.
Genome position (GRCh38, 1-based): chr15:42,387,838, A>C. VCF-style: chr15-42387838-A-C. GRCh37 (hg19) VCF-style: chr15-42680036-A-C.
Other names: c.584A>C, p.Asn195Thr (NM_024344.2, NM_173087.2); short protein forms N195T.
Identifiers: ClinVar variation 285651 (VCV000285651.13), dbSNP rs148855999, ClinGen allele CA7511061.